The following is an entry in ClinVar:

NM_152594.3(SPRED1):c.539A>T (p.Asp180Val)

Gene: SPRED1 (sprouty related EVH1 domain containing 1; plus strand). Cytogenetic location: 15q14.
Variant type: single nucleotide variant.
Coding change: c.539A>T on transcript NM_152594.3 (MANE Select); coding-DNA position 539, A replaced by T.
Protein change: p.Asp180Val; replaces aspartic acid 180 with valine.
Molecular consequence: missense variant.
Genome position (GRCh38, 1-based): chr15:38,339,852, A>T. VCF-style: chr15-38339852-A-T. GRCh37 (hg19) VCF-style: chr15-38632053-A-T.
Other names: short protein forms D180V.
Identifiers: ClinVar variation 3800931 (VCV003800931.2).
Genomic context (GRCh38, chr15:38,339,852, plus strand): 5'-AGACAGTTGTTACCAGTGAGCCTTATAGAAGCTCAAATATAAGACCTTCTCCCTTTGAAG[A>T]TCTGAATGCCAGAAGAGTCTACATGCAAAGCCAAGCCAATCAGGTAAGAAGATAAAATAT-3'
Protein context (NP_689807.1, residues 170-190): SSNIRPSPFE[Asp180Val]LNARRVYMQS

ClinVar aggregate classification (germline): Uncertain significance. Review status: criteria provided, multiple submitters, no conflicts (2 of 4 stars). 2 submissions from 2 submitters: Uncertain significance (2). Last evaluated 2025-07-29.

Conditions:
Cardiovascular phenotype. Identifiers: MedGen CN230736.
Legius syndrome. Identifiers: Orphanet 137605, MedGen C1969623, MONDO:0012669, OMIM 611431. Disease mechanism: loss of function.

gnomAD v4.1: 4 of 1,613,842 alleles (0.00025%); highest among the groups gnomAD compares: East Asian, 0.0089%; no homozygotes.

Submissions (2):

Labcorp Genetics (formerly Invitae), Labcorp
Classification: Uncertain significance for Legius syndrome. Last evaluated: 2025-07-29. Review status: criteria provided, single submitter. Criteria: Invitae Variant Classification Sherloc (09022015). Collection method: clinical testing. Allele origin: germline.
Comment: This sequence change replaces aspartic acid, which is acidic and polar, with valine, which is neutral and non-polar, at codon 180 of the SPRED1 protein (p.Asp180Val). This variant is present in population databases (no rsID available, gnomAD 0.01%). This variant has not been reported in the literature in individuals affected with SPRED1-related conditions. ClinVar contains an entry for this variant (Variation ID: 3800931). Invitae Evidence Modeling of protein sequence and biophysical properties (such as structural, functional, and spatial information, amino acid conservation, physicochemical variation, residue mobility, and thermodynamic stability) indicates that this missense variant is not expected to disrupt SPRED1 protein function with a negative predictive value of 80%. In summary, the available evidence is currently insufficient to determine the role of this variant in disease. Therefore, it has been classified as a Variant of Uncertain Significance.

Ambry Genetics
Classification: Uncertain significance for Cardiovascular phenotype. Last evaluated: 2025-02-27. Review status: criteria provided, single submitter. Criteria: Ambry Variant Classification Scheme 2023. Collection method: clinical testing. Allele origin: germline.
Comment: The p.D180V variant (also known as c.539A>T), located in coding exon 5 of the SPRED1 gene, results from an A to T substitution at nucleotide position 539. The aspartic acid at codon 180 is replaced by valine, an amino acid with highly dissimilar properties. This amino acid position is conserved. In addition, this alteration is predicted to be tolerated by in silico analysis. Based on the available evidence, the clinical significance of this variant remains unclear.